The following is an entry in ClinVar:

ClinVar aggregate classification (germline): Uncertain significance. Review status: criteria provided, multiple submitters, no conflicts (2 of 4 stars). 2 submissions from 2 submitters: Uncertain significance (2). Last evaluated 2025-05-15.

Conditions:
Familial thoracic aortic aneurysm and aortic dissection (TAAD). Also called: Thoracic aortic aneurysms and dissections. Identifiers: Orphanet 91387, MedGen C4707243, MONDO:0019625.
Aortic aneurysm, familial thoracic 7 (AAT7). Also called: AORTIC DISSECTION, FAMILIAL, WITH OR WITHOUT AORTIC ANEURYSM. Identifiers: MedGen C3151077, MONDO:0013418, OMIM 613780.

gnomAD v4.1: 10 of 1,614,222 alleles (0.00062%); highest among the groups gnomAD compares: Non-Finnish European, 0.00085%; no homozygotes.

Submissions (2):

Ambry Genetics
Classification: Uncertain significance for Familial thoracic aortic aneurysm and aortic dissection. Last evaluated: 2025-05-15. Review status: criteria provided, single submitter. Criteria: Ambry Variant Classification Scheme 2023. Collection method: clinical testing. Allele origin: germline.
Comment: The p.A622V variant (also known as c.1865C>T), located in coding exon 11 of the MYLK gene, results from a C to T substitution at nucleotide position 1865. The alanine at codon 622 is replaced by valine, an amino acid with similar properties. This amino acid position is conserved. In addition, this alteration is predicted to be tolerated by in silico analysis. Based on the available evidence, the clinical significance of this variant remains unclear.

Labcorp Genetics (formerly Invitae), Labcorp
Classification: Uncertain significance for Aortic aneurysm, familial thoracic 7. Last evaluated: 2023-03-20. Review status: criteria provided, single submitter. Criteria: Invitae Variant Classification Sherloc (09022015). Collection method: clinical testing. Allele origin: germline.
Comment: This sequence change replaces alanine, which is neutral and non-polar, with valine, which is neutral and non-polar, at codon 622 of the MYLK protein (p.Ala622Val). This variant is present in population databases (rs748628438, gnomAD 0.002%). This variant has not been reported in the literature in individuals affected with MYLK-related conditions. ClinVar contains an entry for this variant (Variation ID: 2182577). Advanced modeling of protein sequence and biophysical properties (such as structural, functional, and spatial information, amino acid conservation, physicochemical variation, residue mobility, and thermodynamic stability) performed at Invitae indicates that this missense variant is not expected to disrupt MYLK protein function. In summary, the available evidence is currently insufficient to determine the role of this variant in disease. Therefore, it has been classified as a Variant of Uncertain Significance.

NM_053025.4(MYLK):c.1865C>T (p.Ala622Val)

Gene: MYLK (myosin light chain kinase; minus strand). Cytogenetic location: 3q21.1.
Variant type: single nucleotide variant.
Coding change: c.1865C>T on transcript NM_053025.4 (MANE Select); coding-DNA position 1865, C replaced by T.
Protein change: p.Ala622Val; replaces alanine 622 with valine.
Molecular consequence: missense variant.
Genome position (GRCh38, 1-based): chr3:123,709,833, G>A on the plus strand (C>T on the coding strand, the complement: MYLK is on the minus strand). VCF-style: chr3-123709833-G-A. GRCh37 (hg19) VCF-style: chr3-123428680-G-A.
Other names: c.1337C>T, p.Ala446Val (NM_001321309.2); c.1658C>T, p.Ala553Val (NM_053026.4, NM_053028.4); c.1865C>T, p.Ala622Val (NM_053027.4); c.1865C>T (NM_053025.3); short protein forms A553V, A446V, A622V.
Identifiers: ClinVar variation 2182577 (VCV002182577.5), dbSNP rs748628438, ClinGen allele CA067715.